The following is an entry in ClinVar:

ClinVar aggregate classification (germline): Uncertain significance. Review status: criteria provided, multiple submitters, no conflicts (2 of 4 stars). 3 submissions from 3 submitters: Uncertain significance (3). Last evaluated 2025-07-14.

Conditions:
Hereditary pancreatitis (PCTT). Also called: PRSS1-Related Hereditary Pancreatitis; Hereditary chronic pancreatitis. Identifiers: Orphanet 676, MedGen C0238339, MONDO:0008185, OMIM 167800.

Allele frequency attached by ClinVar (database versions not stated): gnomAD 0.00001; gnomAD exomes 0.00001.

Submissions (3):

Ambry Genetics
Classification: Uncertain significance for Hereditary pancreatitis. Last evaluated: 2025-07-14. Review status: criteria provided, single submitter. Criteria: Ambry Variant Classification Scheme 2023. Collection method: clinical testing. Allele origin: germline.
Comment: The p.G177R variant (also known as c.529G>A), located in coding exon 4 of the PRSS1 gene, results from a G to A substitution at nucleotide position 529. The glycine at codon 177 is replaced by arginine, an amino acid with dissimilar properties. This amino acid position is highly conserved in available vertebrate species. In addition, the in silico prediction for this alteration is inconclusive. Based on the available evidence, the clinical significance of this variant remains unclear.

ARUP Laboratories, Molecular Genetics and Genomics, ARUP Laboratories
Classification: Uncertain significance for Hereditary pancreatitis. Last evaluated: 2025-02-20. Review status: criteria provided, single submitter. Criteria: ARUP Molecular Germline Variant Investigation Process 2024. Collection method: clinical testing. Allele origin: germline.
Comment: The PRSS1 c.529G>A; p.Gly177Arg variant (rs1240508430), to our knowledge, is not reported in the medical literature but is reported in ClinVar (Variation ID: 1010446). This variant is absent from the Genome Aggregation Database (v2.1.1), indicating it is not a common polymorphism. Computational analyses are uncertain whether this variant is neutral or deleterious (REVEL: 0.63). Due to limited information, the clinical significance of this variant is uncertain at this time.

Labcorp Genetics (formerly Invitae), Labcorp
Classification: Uncertain significance for Hereditary pancreatitis. Last evaluated: 2024-04-01. Review status: criteria provided, single submitter. Criteria: Invitae Variant Classification Sherloc (09022015). Collection method: clinical testing. Allele origin: germline.
Comment: This sequence change replaces glycine, which is neutral and non-polar, with arginine, which is basic and polar, at codon 177 of the PRSS1 protein (p.Gly177Arg). This variant is not present in population databases (gnomAD no frequency). This variant has not been reported in the literature in individuals affected with PRSS1-related conditions. ClinVar contains an entry for this variant (Variation ID: 1010446). Advanced modeling of protein sequence and biophysical properties (such as structural, functional, and spatial information, amino acid conservation, physicochemical variation, residue mobility, and thermodynamic stability) performed at Invitae indicates that this missense variant is not expected to disrupt PRSS1 protein function with a negative predictive value of 80%. In summary, the available evidence is currently insufficient to determine the role of this variant in disease. Therefore, it has been classified as a Variant of Uncertain Significance.

NM_002769.5(PRSS1):c.529G>A (p.Gly177Arg)

Genes: TRB (T cell receptor beta locus; plus strand), PRSS1 (serine protease 1; plus strand). Cytogenetic location: 7q34.
Variant type: single nucleotide variant.
Coding change: c.529G>A on transcript NM_002769.5 (MANE Select); coding-DNA position 529, G replaced by A.
Protein change: p.Gly177Arg; replaces glycine 177 with arginine.
Molecular consequence: missense variant.
Genome position (GRCh38, 1-based): chr7:142,752,505, G>A. VCF-style: chr7-142752505-G-A. GRCh37 (hg19) VCF-style: chr7-142460356-G-A.
Other names: c.529G>A (NM_002769.4); short protein forms G177R.
Identifiers: ClinVar variation 1010446 (VCV001010446.8), dbSNP rs1240508430, ClinGen allele CA369610260.